The following is an entry in ClinVar:

NM_000038.6(APC):c.6345A>T (p.Leu2115Phe)

Gene: APC (APC regulator of Wnt signaling pathway; plus strand). Cytogenetic location: 5q22.2.
Variant type: single nucleotide variant.
Coding change: c.6345A>T on transcript NM_000038.6 (MANE Select); coding-DNA position 6345, A replaced by T.
Protein change: p.Leu2115Phe; replaces leucine 2115 with phenylalanine.
Molecular consequence: missense variant.
Genome position (GRCh38, 1-based): chr5:112,841,939, A>T. VCF-style: chr5-112841939-A-T. GRCh37 (hg19) VCF-style: chr5-112177636-A-T.
Other names: c.6345A>T, p.Leu2115Phe (NM_001127510.3, NM_001354895.2, NM_001407450.1); c.6291A>T, p.Leu2097Phe (NM_001127511.3); c.6399A>T, p.Leu2133Phe (NM_001354896.2, NM_001407447.1, NM_001407448.1 and 1 more transcripts); c.6375A>T, p.Leu2125Phe (NM_001354897.2); c.6270A>T, p.Leu2090Phe (NM_001354898.2); c.6261A>T, p.Leu2087Phe (NM_001354899.2); c.6222A>T, p.Leu2074Phe (NM_001354900.2); c.6168A>T, p.Leu2056Phe (NM_001354901.2, NM_001407453.1); and 11 more; short protein forms L1832F, L1989F, L2097F, L2108F, L2115F, L2074F, L2133F, L1986F.
Identifiers: ClinVar variation 1752967 (VCV001752967.6), dbSNP rs1561606585, ClinGen allele CA16035229.

ClinVar aggregate classification (germline): Uncertain significance. Review status: criteria provided, multiple submitters, no conflicts (2 of 4 stars). 4 submissions from 4 submitters: Uncertain significance (4). Last evaluated 2024-09-10.

Conditions:
Hereditary cancer-predisposing syndrome. Also called: Hereditary Cancer Syndrome; Hereditary neoplastic syndrome; Neoplastic Syndromes, Hereditary; Tumor predisposition. Identifiers: Orphanet 140162, MedGen C0027672, MeSH D009386, MONDO:0015356.
Familial adenomatous polyposis 1 (FAP1). Also called: FAMILIAL ADENOMATOUS POLYPOSIS 1, ATTENUATED; POLYPOSIS, ADENOMATOUS INTESTINAL. Identifiers: MedGen C2713442, MONDO:0021056, OMIM 175100. Disease mechanism: loss of function.

Submissions (4):

Labcorp Genetics (formerly Invitae), Labcorp
Classification: Uncertain significance for Familial adenomatous polyposis 1. Last evaluated: 2024-09-10. Review status: criteria provided, single submitter. Criteria: Invitae Variant Classification Sherloc (09022015). Collection method: clinical testing. Allele origin: germline.
Comment: This sequence change replaces leucine, which is neutral and non-polar, with phenylalanine, which is neutral and non-polar, at codon 2115 of the APC protein (p.Leu2115Phe). This variant is not present in population databases (gnomAD no frequency). This variant has not been reported in the literature in individuals affected with APC-related conditions. ClinVar contains an entry for this variant (Variation ID: 1752967). Invitae Evidence Modeling of protein sequence and biophysical properties (such as structural, functional, and spatial information, amino acid conservation, physicochemical variation, residue mobility, and thermodynamic stability) indicates that this missense variant is not expected to disrupt APC protein function with a negative predictive value of 95%. In summary, the available evidence is currently insufficient to determine the role of this variant in disease. Therefore, it has been classified as a Variant of Uncertain Significance.

GeneDx
Classification: Uncertain significance. Last evaluated: 2024-06-24. Review status: criteria provided, single submitter. Criteria: GeneDx Variant Classification Process June 2021. Collection method: clinical testing. Allele origin: germline. Affected: yes.
Comment: Not observed at significant frequency in large population cohorts (gnomAD); In silico analysis supports that this missense variant has a deleterious effect on protein structure/function; Has not been previously published as pathogenic or benign to our knowledge

Blueprint Genetics
Classification: Uncertain significance. Last evaluated: 2021-05-03. Review status: criteria provided, single submitter. Criteria: ACMG Guidelines, 2015. Collection method: clinical testing. Allele origin: germline.

Ambry Genetics
Classification: Uncertain significance for Hereditary cancer-predisposing syndrome. Last evaluated: 2020-03-05. Review status: criteria provided, single submitter. Criteria: Ambry Variant Classification Scheme 2023. Collection method: clinical testing. Allele origin: germline.
Comment: The p.L2115F variant (also known as c.6345A>T), located in coding exon 15 of the APC gene, results from an A to T substitution at nucleotide position 6345. The leucine at codon 2115 is replaced by phenylalanine, an amino acid with highly similar properties. This amino acid position is highly conserved in available vertebrate species. In addition, in silico predictors for this gene do not accurately predict pathogenicity. Since supporting evidence is limited at this time, the clinical significance of this alteration remains unclear.